The following is an entry in ClinVar:

ClinVar aggregate classification (germline): Uncertain significance (1 of 4 stars; one submission).

Submission:

GeneDx
Classification: Uncertain significance. Last evaluated: 2024-11-11. Review status: criteria provided, single submitter. Criteria: GeneDx Variant Classification Process June 2021. Collection method: clinical testing. Allele origin: germline. Affected: yes.
Comment: Not observed at significant frequency in large population cohorts (gnomAD); In silico analysis indicates that this missense variant does not alter protein structure/function; Has not been previously published as pathogenic or benign to our knowledge; Reported using an alternate transcript of the gene

NM_000807.4(GABRA2):c.1060-5616A>G

Gene: GABRA2 (gamma-aminobutyric acid type A receptor subunit alpha2; minus strand). Cytogenetic location: 4p12.
Variant type: single nucleotide variant.
Coding change: c.1060-5616A>G on transcript NM_000807.4 (MANE Select); 5616 bases into the intron before coding-DNA position 1060, A replaced by G.
Molecular consequence: intron variant. On other transcripts: missense variant (4).
Genome position (GRCh38, 1-based): chr4:46,256,220, T>C on the plus strand (A>G on the coding strand, the complement: GABRA2 is on the minus strand). VCF-style: chr4-46256220-T-C. GRCh37 (hg19) VCF-style: chr4-46258237-T-C.
Other names: c.1049A>G, p.Asp350Gly (NM_001286827.3); c.1214A>G, p.Asp405Gly (NM_001330690.2, NM_001377144.1, NM_001377145.1); c.895-5616A>G (NM_001377154.1, NM_001377152.1, NM_001377153.1); c.1060-5616A>G (NM_001377146.1, NM_001377150.1, NM_001377147.1 and 4 more transcripts); short protein forms D350G, D405G.
Identifiers: ClinVar variation 3898800 (VCV003898800.1).